The following is an entry in ClinVar:

ClinVar aggregate classification (germline): Uncertain significance. Review status: criteria provided, multiple submitters, no conflicts (2 of 4 stars). 3 submissions from 3 submitters: Uncertain significance (3). Last evaluated 2025-03-25.

Conditions:
Hereditary cancer-predisposing syndrome. Also called: Hereditary Cancer Syndrome; Hereditary neoplastic syndrome; Tumor predisposition; Neoplastic Syndromes, Hereditary. Identifiers: Orphanet 140162, MedGen C0027672, MeSH D009386, MONDO:0015356.
Familial melanoma. Also called: Hereditary melanoma; Hereditary cutaneous melanoma. Identifiers: Orphanet 618, MedGen C1512419, MONDO:0018961.

Submissions (3):

Ambry Genetics
Classification: Uncertain significance for Hereditary cancer-predisposing syndrome. Last evaluated: 2025-03-25. Review status: criteria provided, single submitter. Criteria: Ambry Variant Classification Scheme 2023. Collection method: clinical testing. Allele origin: germline.
Comment: The p.A20V variant (also known as c.59C>T), located in coding exon 1 of the CDKN2A gene, results from a C to T substitution at nucleotide position 59. The alanine at codon 20 is replaced by valine, an amino acid with similar properties. This amino acid position is well conserved in available vertebrate species. In addition, the in silico prediction for this alteration is inconclusive. Based on the available evidence, the clinical significance of this variant remains unclear.

Center for Genomic Medicine, Rigshospitalet, Copenhagen University Hospital
Classification: Uncertain significance. Last evaluated: 2025-03-04. Review status: criteria provided, single submitter. Criteria: ACMG Guidelines, 2015. Collection method: clinical testing. Allele origin: germline.

Labcorp Genetics (formerly Invitae), Labcorp
Classification: Uncertain significance for Familial melanoma. Last evaluated: 2023-02-23. Review status: criteria provided, single submitter. Criteria: Invitae Variant Classification Sherloc (09022015). Collection method: clinical testing. Allele origin: germline.
Comment: This variant has not been reported in the literature in individuals affected with CDKN2A (p16INK4a)-related conditions. This sequence change replaces alanine, which is neutral and non-polar, with valine, which is neutral and non-polar, at codon 20 of the CDKN2A (p16INK4a) protein (p.Ala20Val). This variant is not present in population databases (gnomAD no frequency). ClinVar contains an entry for this variant (Variation ID: 1001191). An algorithm developed to predict the effect of missense changes on protein structure and function (PolyPhen-2) suggests that this variant is likely to be disruptive. In summary, the available evidence is currently insufficient to determine the role of this variant in disease. Therefore, it has been classified as a Variant of Uncertain Significance.

NM_000077.5(CDKN2A):c.59C>T (p.Ala20Val)

Gene: CDKN2A (cyclin dependent kinase inhibitor 2A; minus strand). Cytogenetic location: 9p21.3.
Variant type: single nucleotide variant.
Coding change: c.59C>T on transcript NM_000077.5; coding-DNA position 59, C replaced by T.
Protein change: p.Ala20Val; replaces alanine 20 with valine.
Molecular consequence: missense variant (on NM_000077.6). On other transcripts: intron variant (2).
Genome position (GRCh38, 1-based): chr9:21,974,769, G>A on the plus strand (C>T on the coding strand, the complement: CDKN2A is on the minus strand). VCF-style: chr9-21974769-G-A. GRCh37 (hg19) VCF-style: chr9-21974768-G-A.
Other names: c.59C>T, p.Ala20Val (NM_000077.6, NM_001195132.2, NM_058197.5); c.-3-3561C>T (NM_001363763.2); c.194-3561C>T (NM_058195.4); short protein forms A20V.
Identifiers: ClinVar variation 1001191 (VCV001001191.16), dbSNP rs864622484, ClinGen allele CA373086632.